The following is an entry in ClinVar:

ClinVar aggregate classification (germline): Uncertain significance. Review status: criteria provided, multiple submitters, no conflicts (2 of 4 stars). 2 submissions from 2 submitters: Uncertain significance (2). Last evaluated 2024-06-11.

Conditions:
Intellectual developmental disorder, X-linked 1. Also called: Atkin Flaitz Patil Smith syndrome; Intellectual disability, X-linked 1; MENTAL RETARDATION, X-LINKED 18; MENTAL RETARDATION, X-LINKED 78. Identifiers: Orphanet 777, MedGen C2931498, MONDO:0010656, OMIM 309530.

Submissions (2):

GeneDx
Classification: Uncertain significance. Last evaluated: 2024-06-11. Review status: criteria provided, single submitter. Criteria: GeneDx Variant Classification Process June 2021. Collection method: clinical testing. Allele origin: germline. Affected: yes.
Comment: Not observed at significant frequency in large population cohorts (gnomAD); In silico analysis supports that this missense variant does not alter protein structure/function; Has not been previously published as pathogenic or benign to our knowledge

Labcorp Genetics (formerly Invitae), Labcorp
Classification: Uncertain significance for Intellectual developmental disorder, X-linked 1. Last evaluated: 2022-08-15. Review status: criteria provided, single submitter. Criteria: Invitae Variant Classification Sherloc (09022015). Collection method: clinical testing. Allele origin: germline.
Comment: In summary, the available evidence is currently insufficient to determine the role of this variant in disease. Therefore, it has been classified as a Variant of Uncertain Significance. Advanced modeling of protein sequence and biophysical properties (such as structural, functional, and spatial information, amino acid conservation, physicochemical variation, residue mobility, and thermodynamic stability) performed at Invitae indicates that this missense variant is not expected to disrupt IQSEC2 protein function. This variant has not been reported in the literature in individuals affected with IQSEC2-related conditions. This variant is not present in population databases (gnomAD no frequency). This sequence change replaces methionine, which is neutral and non-polar, with leucine, which is neutral and non-polar, at codon 1102 of the IQSEC2 protein (p.Met1102Leu).

NM_001111125.3(IQSEC2):c.3304A>C (p.Met1102Leu)

Gene: IQSEC2 (IQ motif and Sec7 domain ArfGEF 2; minus strand). Cytogenetic location: Xp11.22.
Variant type: single nucleotide variant.
Coding change: c.3304A>C on transcript NM_001111125.3 (MANE Select); coding-DNA position 3304, A replaced by C.
Protein change: p.Met1102Leu; replaces methionine 1102 with leucine.
Molecular consequence: missense variant.
Genome position (GRCh38, 1-based): chrX:53,236,469, T>G on the plus strand (A>C on the coding strand, the complement: IQSEC2 is on the minus strand). VCF-style: chrX-53236469-T-G. GRCh37 (hg19) VCF-style: chrX-53265651-T-G.
Other names: c.3304A>C, p.Met1102Leu (NM_001410736.1); c.2689A>C, p.Met897Leu (NM_015075.2); c.3304A>C (NM_001111125.1); short protein forms M1102L, M897L.
Identifiers: ClinVar variation 2100593 (VCV002100593.5), dbSNP rs2519690518, ClinGen allele CA413145482.
Genomic context (GRCh38, chrX:53,236,469, plus strand): 5'-GGGCCATCGTCCCATTCACTGAGTCCTTGGCCCCTCCAGGCTGTGAGGCGTTAGGCCGCA[T>G]CATACCTTTCTGCTTCTCCAGCTCCGCTGGGTGGCAGTCGGGGAGACAGGGAGCAAAGGT-3'
Protein context (NP_001104595.1, residues 1092-1112): ESELEKQKGM[Met1102Leu]RPNASQPGGA